The following is an entry in ClinVar:

ClinVar aggregate classification (germline): Uncertain significance (1 of 4 stars; one submission).

Submission:

CeGaT Center for Human Genetics Tuebingen
Classification: Uncertain significance. Last evaluated: 2025-11-01. Review status: criteria provided, single submitter. Criteria: CeGaT Center For Human Genetics Tuebingen Variant Classification Criteria Version 2. Collection method: clinical testing. Allele origin: germline. Affected: yes. Observed: 1 variant allele.
Comment: CACNA1A: PM2, PP3

NM_001127222.2(CACNA1A):c.7406_7407delinsCT (p.Gly2469Ala)

Gene: CACNA1A (calcium voltage-gated channel subunit alpha1 A; minus strand). Cytogenetic location: 19p13.13.
Variant type: Indel.
Coding change: c.7406_7407delinsCT on transcript NM_001127222.2 (MANE Select); coding-DNA positions 7406 to 7407, GC replaced by CT.
Protein change: p.Gly2469Ala; replaces glycine 2469 with alanine.
Molecular consequence: missense variant. On other transcripts: 3 prime UTR variant (3).
Genome position (GRCh38, 1-based): chr19:13,207,427-13,207,428, GC replaced by AG on the plus strand (GC replaced by CT on the coding strand, the reverse complement: CACNA1A is on the minus strand). VCF-style: chr19-13207427-GC-AG. GRCh37 (hg19) VCF-style: chr19-13318241-GC-AG.
Other names: c.*618_*619delinsCT (NM_000068.4, NM_001127221.2, NM_001174080.2); c.7424_7425delinsCT, p.Gly2475Ala (NM_023035.3); short protein forms G2469A, G2475A.
Identifiers: ClinVar variation 4535441 (VCV004535441.6).